The following is an entry in ClinVar:

ClinVar aggregate classification (germline): Uncertain significance. Review status: criteria provided, multiple submitters, no conflicts (2 of 4 stars). 2 submissions from 2 submitters: Uncertain significance (2). Last evaluated 2026-04-15.

Conditions:
Asphyxiating thoracic dystrophy 3. Also called: SHORT-RIB THORACIC DYSPLASIA 3 WITH OR WITHOUT POLYDACTYLY; POLYDACTYLY WITH NEONATAL CHONDRODYSTROPHY, TYPE I; SHORT-RIB THORACIC DYSPLASIA 3/6 WITH POLYDACTYLY, DIGENIC; Short rib polydactyly syndrome 2B; Saldino-Noonan Syndrome. Identifiers: Orphanet 474, Orphanet 93269, Orphanet 93270, Orphanet 93271, MedGen C0036069, MONDO:0013127, OMIM 613091.

gnomAD v4.1: 3 of 1,613,136 alleles (0.00019%); highest among the groups gnomAD compares: Non-Finnish European, 0.00025%; no homozygotes.

Submissions (2):

Myriad Genetics, Inc.
Classification: Uncertain significance for Asphyxiating thoracic dystrophy 3. Last evaluated: 2026-04-15. Review status: criteria provided, single submitter. Criteria: Myriad Autosomal Dominant, Autosomal Recessive and X-Linked Classification Criteria (2023). Collection method: clinical testing. Allele origin: unknown.
Comment: NM_001377.2(DYNC2H1):c.6077C>T(T2026I) is a missense variant classified as a variant of uncertain significance in the context of DYNC2H1-related disorders. T2026I has been observed in a case with relevant disease (PMID: 37100787). Relevant functional assessments of this variant are not available in the literature. T2026I has been observed in referenced population frequency databases. In summary, there is insufficient evidence to classify NM_001377.2(DYNC2H1):c.6077C>T(T2026I) as pathogenic or benign. Please note: this variant was assessed in the context of healthy population screening.

Women's Health and Genetics/Laboratory Corporation of America, LabCorp
Classification: Uncertain significance. Last evaluated: 2025-01-31. Review status: criteria provided, single submitter. Criteria: LabCorp Variant Classification Summary - May 2015. Collection method: clinical testing. Allele origin: germline.
Comment: Variant summary: DYNC2H1 c.6077C>T (p.Thr2026Ile) results in a non-conservative amino acid change in the encoded protein sequence. Five of five in-silico tools predict a damaging effect of the variant on protein function. The variant allele was found at a frequency of 4e-06 in 248200 control chromosomes. c.6077C>T has been reported in the literature in compound heterozygous individuals affected with Short-rib thoracic dysplasia (Fontana_2023). These data indicate that the variant may be associated with disease. To our knowledge, no experimental evidence demonstrating an impact on protein function has been reported. The following publication has been ascertained in the context of this evaluation (PMID: 37100787). No submitters have cited clinical-significance assessments for this variant to ClinVar. Based on the evidence outlined above, the variant was classified as VUS-possibly pathogenic.

Literature cited by the submitters: PubMed 37100787 (cited by Myriad Genetics, Inc. and Women's Health and Genetics/Laboratory Corporation of America, LabCorp).

NM_001377.3(DYNC2H1):c.6077C>T (p.Thr2026Ile)

Gene: DYNC2H1 (dynein cytoplasmic 2 heavy chain 1; plus strand). Cytogenetic location: 11q22.3.
Variant type: single nucleotide variant.
Coding change: c.6077C>T on transcript NM_001377.3 (MANE Select); coding-DNA position 6077, C replaced by T.
Protein change: p.Thr2026Ile; replaces threonine 2026 with isoleucine.
Molecular consequence: missense variant.
Genome position (GRCh38, 1-based): chr11:103,177,758, C>T. VCF-style: chr11-103177758-C-T. GRCh37 (hg19) VCF-style: chr11-103048487-C-T.
Other names: c.6077C>T, p.Thr2026Ile (NM_001080463.2); short protein forms T2026I.
Identifiers: ClinVar variation 3769390 (VCV003769390.3).